The following is an entry in ClinVar:

NM_033026.6(PCLO):c.8254A>G (p.Met2752Val)

Gene: PCLO (piccolo presynaptic cytomatrix protein; minus strand). Cytogenetic location: 7q21.11.
Variant type: single nucleotide variant.
Coding change: c.8254A>G on transcript NM_033026.6 (MANE Select); coding-DNA position 8254, A replaced by G.
Protein change: p.Met2752Val; replaces methionine 2752 with valine.
Molecular consequence: missense variant.
Genome position (GRCh38, 1-based): chr7:82,952,699, T>C on the plus strand (A>G on the coding strand, the complement: PCLO is on the minus strand). VCF-style: chr7-82952699-T-C. GRCh37 (hg19) VCF-style: chr7-82582015-T-C.
Other names: c.8254A>G, p.Met2752Val (NM_014510.3); short protein forms M2752V.
Identifiers: ClinVar variation 1438098 (VCV001438098.5), dbSNP rs777422225, ClinGen allele CA161145447.

ClinVar aggregate classification (germline): Uncertain significance (1 of 4 stars; one submission).

Allele frequency attached by ClinVar (database versions not stated): TOPMed below 0.00001; gnomAD 0.00001; gnomAD exomes 0.00002.
gnomAD v4.1: 31 of 1,613,810 alleles (0.0019%); highest among the groups gnomAD compares: Non-Finnish European, 0.0023%; no homozygotes.

Submission:

Labcorp Genetics (formerly Invitae), Labcorp
Classification: Uncertain significance. Last evaluated: 2022-09-07. Review status: criteria provided, single submitter. Criteria: Invitae Variant Classification Sherloc (09022015). Collection method: clinical testing. Allele origin: germline.
Comment: This sequence change replaces methionine, which is neutral and non-polar, with valine, which is neutral and non-polar, at codon 2752 of the PCLO protein (p.Met2752Val). This variant is not present in population databases (gnomAD no frequency). This variant has not been reported in the literature in individuals affected with PCLO-related conditions. ClinVar contains an entry for this variant (Variation ID: 1438098). Algorithms developed to predict the effect of missense changes on protein structure and function output the following: SIFT: "Tolerated"; PolyPhen-2: "Not Available"; Align-GVGD: "Class C0". The valine amino acid residue is found in multiple mammalian species, which suggests that this missense change does not adversely affect protein function. Algorithms developed to predict the effect of sequence changes on RNA splicing suggest that this variant may create or strengthen a splice site. In summary, the available evidence is currently insufficient to determine the role of this variant in disease. Therefore, it has been classified as a Variant of Uncertain Significance.